The following is an entry in ClinVar:

NM_013275.6(ANKRD11):c.-34C>T

Genes: ANKRD11 (ankyrin repeat domain 11; minus strand), LOC128462377 (ankyrin repeat domain 11 upstream open reading frame; minus strand). Cytogenetic location: 16q24.3.
Variant type: single nucleotide variant.
Coding change: c.-34C>T on transcript NM_013275.6 (MANE Select); 34 bases upstream of the start codon, C replaced by T.
Molecular consequence: 5 prime UTR variant. On other transcripts: missense variant (2), non-coding transcript variant (1).
Genome position (GRCh38, 1-based): chr16:89,317,053, G>A on the plus strand (C>T on the coding strand, the complement: ANKRD11 is on the minus strand). VCF-style: chr16-89317053-G-A. GRCh37 (hg19) VCF-style: chr16-89383461-G-A.
Other names: c.32C>T, p.Ala11Val (NM_001416403.1); c.35C>T, p.Ala12Val (NM_001417603.1); c.-34C>T (NM_001256182.2, NM_001256183.2); short protein forms A11V, A12V.
Identifiers: ClinVar variation 3014313 (VCV003014313.3), dbSNP rs371508312, ClinGen allele CA8243302.
Genomic context (GRCh38, chr16:89,317,053, plus strand): 5'-TGCTTTAGGGCACCCACCCTTGGGCATCGTCCTGCTCCTCACCCGATCTTCATTTACACG[G>A]CCGGCGCTTCATCATCAACCGTCTGCTTCAAAAGAGAAGACACACAATTCACTGAATTCA-3'

ClinVar aggregate classification (germline): Uncertain significance (1 of 4 stars; one submission).

Conditions:
KBG syndrome (KBGS). Also called: ANKRD11-Related KBG Syndrome. Identifiers: Orphanet 2332, MedGen C0220687, MONDO:0007846, OMIM 148050.

Allele frequency attached by ClinVar (database versions not stated): ExAC 0.00006; gnomAD 0.00006; TOPMed 0.00008; ESP Exome Variant Server 0.00015.
gnomAD v4.1: 165 of 1,599,346 alleles (0.01%); highest among the groups gnomAD compares: Non-Finnish European, 0.013%; no homozygotes.

Submission:

Labcorp Genetics (formerly Invitae), Labcorp
Classification: Uncertain significance for KBG syndrome. Last evaluated: 2024-11-07. Review status: criteria provided, single submitter. Criteria: Invitae Variant Classification Sherloc (09022015). Collection method: clinical testing. Allele origin: germline.
Comment: This variant occurs in a non-coding region of the ANKRD11 gene. It does not change the encoded amino acid sequence of the ANKRD11 protein. This variant is present in population databases (rs371508312, gnomAD 0.009%). This variant has not been reported in the literature in individuals affected with ANKRD11-related conditions. ClinVar contains an entry for this variant (Variation ID: 3014313). In summary, the available evidence is currently insufficient to determine the role of this variant in disease. Therefore, it has been classified as a Variant of Uncertain Significance.